The following is an entry in ClinVar:

NM_000037.4(ANK1):c.2629C>T (p.Gln877Ter)

Gene: ANK1 (ankyrin 1; minus strand). Cytogenetic location: 8p11.21.
Variant type: single nucleotide variant.
Coding change: c.2629C>T on transcript NM_000037.4 (MANE Select); coding-DNA position 2629, C replaced by T.
Protein change: p.Gln877Ter; replaces glutamine 877 with a stop codon.
Molecular consequence: nonsense.
Genome position (GRCh38, 1-based): chr8:41,698,051, G>A on the plus strand (C>T on the coding strand, the complement: ANK1 is on the minus strand). VCF-style: chr8-41698051-G-A. GRCh37 (hg19) VCF-style: chr8-41555569-G-A.
Other names: c.2752C>T, p.Gln918Ter (NM_001142446.2); c.2629C>T, p.Gln877Ter (NM_020475.3, NM_020476.3, NM_020477.3); short protein forms Q877*, Q918*.
Identifiers: ClinVar variation 4734022 (VCV004734022.1).

ClinVar aggregate classification (germline): Pathogenic (1 of 4 stars; one submission).

Submission:

Labcorp Genetics (formerly Invitae), Labcorp
Classification: Pathogenic. Last evaluated: 2025-12-23. Review status: criteria provided, single submitter. Criteria: Invitae Variant Classification Sherloc (09022015). Collection method: clinical testing. Allele origin: germline.
Comment: This sequence change creates a premature translational stop signal (p.Gln877*) in the ANK1 gene. It is expected to result in an absent or disrupted protein product. Loss-of-function variants in ANK1 are known to be pathogenic (PMID: 8640229). This variant is not present in population databases (gnomAD no frequency). This variant has not been reported in the literature in individuals affected with ANK1-related conditions. Algorithms developed to predict the effect of sequence changes on RNA splicing suggest that this variant may disrupt the consensus splice site. For these reasons, this variant has been classified as Pathogenic.

Literature cited by the submitters: PubMed 8640229.